The following is an entry in ClinVar:

ClinVar aggregate classification (germline): Uncertain significance (1 of 4 stars; one submission).

gnomAD v4.1: 3 of 1,197,408 alleles (0.00025%); highest among the groups gnomAD compares: Non-Finnish European, 0.00021%; no homozygotes.

Submission:

Dasa
Classification: Uncertain significance. Last evaluated: 2025-01-13. Review status: criteria provided, single submitter. Criteria: DASA Assertion Criteria. Collection method: clinical testing. Allele origin: germline.
Comment: NM_138734.3(NRXN2):c.32G>A (p.Cys11Tyr) is a missense variant that results in the substitution of cysteine with tyrosine. This variant is rare in population databases. Computational prediction algorithms are consistent with a benign effect. The currently available literature and clinical evidence are not sufficient to establish a definitive association between this variant and the reported condition. Therefore, this variant is classified as a variant of uncertain significance.

NM_015080.4(NRXN2):c.3403+5447G>A

Gene: NRXN2 (neurexin 2; minus strand). Cytogenetic location: 11q13.1.
Variant type: single nucleotide variant.
Coding change: c.3403+5447G>A on transcript NM_015080.4 (MANE Select); 5447 bases into the intron after coding-DNA position 3403, G replaced by A.
Molecular consequence: intron variant. On other transcripts: missense variant (1).
Genome position (GRCh38, 1-based): chr11:64,642,772, C>T on the plus strand (G>A on the coding strand, the complement: NRXN2 is on the minus strand). VCF-style: chr11-64642772-C-T. GRCh37 (hg19) VCF-style: chr11-64410244-C-T.
Other names: c.32G>A, p.Cys11Tyr (NM_138734.3); c.3283+5447G>A (NM_138732.3); c.3379+5447G>A (NM_001376266.1); c.3358+5447G>A (NM_001376265.1); c.3382+5447G>A (NM_001376267.1, NM_001376263.1); c.3403+5447G>A (NM_001376262.1); c.-34-172G>A (NM_001400682.1, NM_001400681.1); short protein forms C11Y.
Identifiers: ClinVar variation 4882694 (VCV004882694.2).